The following is an entry in ClinVar:

NM_000603.5(NOS3):c.3498C>A (p.Thr1166=)

Genes: ATG9B (autophagy related 9B; minus strand), NOS3 (nitric oxide synthase 3; plus strand). Cytogenetic location: 7q36.1.
Variant type: single nucleotide variant.
Coding change: c.3498C>A on transcript NM_000603.5 (MANE Select); coding-DNA position 3498, C replaced by A.
Protein change: p.Thr1166=; no amino-acid change (threonine 1166 retained).
Molecular consequence: synonymous variant.
Genome position (GRCh38, 1-based): chr7:151,014,055, C>A. VCF-style: chr7-151014055-C-A. GRCh37 (hg19) VCF-style: chr7-150711143-C-A.
Identifiers: ClinVar variation 734607 (VCV000734607.6), dbSNP rs143054141, ClinGen allele CA4567733.

ClinVar aggregate classification (germline): Benign/Likely benign. Review status: criteria provided, multiple submitters, no conflicts (2 of 4 stars). 3 submissions from 3 submitters: Benign (2); Likely benign (1). Last evaluated 2025-03-20.

Conditions:
NOS3-related disorder. Also called: NOS3-related condition.

Allele frequency attached by ClinVar (database versions not stated): gnomAD exomes 0.00014; ExAC 0.00050; ESP Exome Variant Server 0.00154; gnomAD 0.00157 and 0.00165; TOPMed 0.00179; 1000 Genomes Project 0.00220; 1000 Genomes Project 30x 0.00234.
gnomAD v4.1: 448 of 1,613,744 alleles (0.028%); highest among the groups gnomAD compares: African/African-American, 0.51%; 1 homozygote.

Submissions (3):

PreventionGenetics, part of Exact Sciences
Classification: Likely benign for NOS3-related condition. Last evaluated: 2025-03-20. Review status: criteria provided, single submitter. Criteria: ACMG Guidelines, 2015. Collection method: clinical testing. Allele origin: germline.
Comment: This variant is classified as likely benign based on ACMG/AMP sequence variant interpretation guidelines (Richards et al. 2015 PMID: 25741868, with internal and published modifications).

Labcorp Genetics (formerly Invitae), Labcorp
Classification: Benign. Last evaluated: 2019-12-31. Review status: criteria provided, single submitter. Criteria: Invitae Variant Classification Sherloc (09022015). Collection method: clinical testing. Allele origin: germline.

Breakthrough Genomics
Classification: Benign. Review status: criteria provided, single submitter. Criteria: ACMG Guidelines, 2015. Collection method: not provided. Allele origin: germline. Inheritance: Autosomal dominant inheritance. Affected: yes.